The following is an entry in ClinVar:

NM_133372.3(FNIP1):c.512T>A (p.Ile171Asn)

Gene: FNIP1 (folliculin interacting protein 1; minus strand). Cytogenetic location: 5q31.1.
Variant type: single nucleotide variant.
Coding change: c.512T>A on transcript NM_133372.3 (MANE Select); coding-DNA position 512, T replaced by A.
Protein change: p.Ile171Asn; replaces isoleucine 171 with asparagine.
Molecular consequence: missense variant.
Genome position (GRCh38, 1-based): chr5:131,719,004, A>T on the plus strand (T>A on the coding strand, the complement: FNIP1 is on the minus strand). VCF-style: chr5-131719004-A-T. GRCh37 (hg19) VCF-style: chr5-131054697-A-T.
Other names: c.512T>A, p.Ile171Asn (NM_001008738.3, NM_001346113.2); c.377T>A, p.Ile126Asn (NM_001346114.2); short protein forms I171N, I126N.
Identifiers: ClinVar variation 2086724 (VCV002086724.4), dbSNP rs2532203779, ClinGen allele CA360840261.

ClinVar aggregate classification (germline): Uncertain significance (1 of 4 stars; one submission).

Submission:

Labcorp Genetics (formerly Invitae), Labcorp
Classification: Uncertain significance. Last evaluated: 2025-06-12. Review status: criteria provided, single submitter. Criteria: Invitae Variant Classification Sherloc (09022015). Collection method: clinical testing. Allele origin: germline.
Comment: This sequence change replaces isoleucine, which is neutral and non-polar, with asparagine, which is neutral and polar, at codon 171 of the FNIP1 protein (p.Ile171Asn). This variant is not present in population databases (gnomAD no frequency). This variant has not been reported in the literature in individuals affected with FNIP1-related conditions. ClinVar contains an entry for this variant (Variation ID: 2086724). An algorithm developed to predict the effect of missense changes on protein structure and function (PolyPhen-2) suggests that this variant is likely to be disruptive. In summary, the available evidence is currently insufficient to determine the role of this variant in disease. Therefore, it has been classified as a Variant of Uncertain Significance.